The following is an entry in ClinVar:

NM_001393997.1(CCAR2):c.2521+6G>A

Gene: CCAR2 (cell cycle and apoptosis regulator 2; plus strand). Cytogenetic location: 8p21.3.
Variant type: single nucleotide variant.
Coding change: c.2521+6G>A on transcript NM_001393997.1 (MANE Select); 6 bases into the intron after coding-DNA position 2521, G replaced by A.
Molecular consequence: intron variant.
Genome position (GRCh38, 1-based): chr8:22,619,021, G>A. VCF-style: chr8-22619021-G-A. GRCh37 (hg19) VCF-style: chr8-22476534-G-A.
Other names: c.2518+6G>A (NM_001363069.2, NM_001363068.2); c.2521+6G>A (NM_021174.6).
Identifiers: ClinVar variation 4982016 (VCV004982016.1).

ClinVar aggregate classification (germline): Likely benign (1 of 4 stars; one submission).

Conditions:
CCAR2-related disorder. Also called: CCAR2-related condition.

gnomAD v4.1: 2 of 1,612,266 alleles (0.00012%); highest among the groups gnomAD compares: Non-Finnish European, 0.00017%; no homozygotes.

Submission:

PreventionGenetics, part of Exact Sciences
Classification: Likely benign for CCAR2-related condition. Last evaluated: 2025-07-10. Review status: criteria provided, single submitter. Criteria: ACMG Guidelines, 2015. Collection method: clinical testing. Allele origin: germline.
Comment: This variant is classified as likely benign based on ACMG/AMP sequence variant interpretation guidelines (Richards et al. 2015 PMID: 25741868, with internal and published modifications).